The following is an entry in ClinVar:

ClinVar aggregate classification (germline): Uncertain significance (1 of 4 stars; one submission).

Conditions:
Duchenne muscular dystrophy (DMD). Also called: MUSCULAR DYSTROPHY, PSEUDOHYPERTROPHIC PROGRESSIVE, DUCHENNE TYPE; Duchenne Muscular Dystrophy (DMD). Identifiers: Orphanet 98896, MedGen C0013264, MONDO:0010679, OMIM 310200.

gnomAD v4.1: 1 of 1,209,446 alleles (0.000083%); no homozygotes.

Submission:

Labcorp Genetics (formerly Invitae), Labcorp
Classification: Uncertain significance for Duchenne muscular dystrophy. Last evaluated: 2025-04-22. Review status: criteria provided, single submitter. Criteria: Invitae Variant Classification Sherloc (09022015). Collection method: clinical testing. Allele origin: germline.
Comment: This sequence change replaces arginine, which is basic and polar, with glutamine, which is neutral and polar, at codon 2095 of the DMD protein (p.Arg2095Gln). This variant is not present in population databases (gnomAD no frequency). This variant has not been reported in the literature in individuals affected with DMD-related conditions. Invitae Evidence Modeling of protein sequence and biophysical properties (such as structural, functional, and spatial information, amino acid conservation, physicochemical variation, residue mobility, and thermodynamic stability) indicates that this missense variant is not expected to disrupt DMD protein function with a negative predictive value of 95%. In summary, the available evidence is currently insufficient to determine the role of this variant in disease. Therefore, it has been classified as a Variant of Uncertain Significance.

NM_004006.3(DMD):c.6284G>A (p.Arg2095Gln)

Gene: DMD (dystrophin; minus strand). Cytogenetic location: Xp21.1.
Variant type: single nucleotide variant.
Coding change: c.6284G>A on transcript NM_004006.3 (MANE Select); coding-DNA position 6284, G replaced by A.
Protein change: p.Arg2095Gln; replaces arginine 2095 with glutamine.
Molecular consequence: missense variant.
Genome position (GRCh38, 1-based): chrX:32,287,535, C>T on the plus strand (G>A on the coding strand, the complement: DMD is on the minus strand). VCF-style: chrX-32287535-C-T. GRCh37 (hg19) VCF-style: chrX-32305652-C-T.
Other names: c.6260G>A, p.Arg2087Gln (NM_000109.4); c.6272G>A, p.Arg2091Gln (NM_004009.3); c.5915G>A, p.Arg1972Gln (NM_004010.3); c.2261G>A, p.Arg754Gln (NM_004011.4); c.2252G>A, p.Arg751Gln (NM_004012.4); short protein forms R751Q, R1972Q, R2087Q, R2095Q, R2091Q, R754Q.
Identifiers: ClinVar variation 4699370 (VCV004699370.1).
Genomic context (GRCh38, chrX:32,287,535, plus strand): 5'-CCCTGAAAACAAATCATTTCTGCAAGTATCAAGAAAAATATATGTGTTACCTACCCTTGT[C>T]GGTCCTTGTACATTTTGTTAACTTTTTCCCATTGGAAATCAAGCTGGGAGAGAGCTTCCT-3'
Protein context (NP_003997.2, residues 2085-2105): WEKVNKMYKD[Arg2095Gln]QGRFDRSVEK